The following is an entry in ClinVar:

NM_004370.6(COL12A1):c.7660A>T (p.Arg2554Trp)

Gene: COL12A1 (collagen type XII alpha 1 chain; minus strand). Cytogenetic location: 6q13.
Variant type: single nucleotide variant.
Coding change: c.7660A>T on transcript NM_004370.6 (MANE Select); coding-DNA position 7660, A replaced by T.
Protein change: p.Arg2554Trp; replaces arginine 2554 with tryptophan.
Molecular consequence: missense variant.
Genome position (GRCh38, 1-based): chr6:75,115,821, T>A on the plus strand (A>T on the coding strand, the complement: COL12A1 is on the minus strand). VCF-style: chr6-75115821-T-A. GRCh37 (hg19) VCF-style: chr6-75825537-T-A.
Other names: c.4168A>T, p.Arg1390Trp (NM_080645.3); c.7660A>T (NM_004370.5); short protein forms R2554W, R1390W.
Identifiers: ClinVar variation 1475050 (VCV001475050.11), dbSNP rs1302611725, ClinGen allele CA364745003.
Genomic context (GRCh38, chr6:75,115,821, plus strand): 5'-AAACCTCCTGTTGTCACACTTACGCTGTAGGCTGATTCACAAACGCATTCTTCTGAATCC[T>A]GTATGCTGAGTAGCTGGGGAAAGACCCTGACTCCAAAGATACTCCTTGTACAGAAGCAAA-3'
Protein context (NP_004361.3, residues 2544-2564): SGSFPSYSAY[Arg2554Trp]IQKNAFVNQP

ClinVar aggregate classification (germline): Uncertain significance. Review status: criteria provided, multiple submitters, no conflicts (2 of 4 stars). 2 submissions from 2 submitters: Uncertain significance (2). Last evaluated 2022-06-27.

Conditions:
Ullrich congenital muscular dystrophy 2 (UCMD2). Identifiers: Orphanet 75840, MedGen C4225314, MONDO:0014654, OMIM 616470.
Bethlem myopathy 2 (BTHLM2). Identifiers: Orphanet 536516, Orphanet 610, MedGen C4225313, MONDO:0034022, OMIM 616471.

Allele frequency attached by ClinVar (database versions not stated): gnomAD exomes below 0.00001.
gnomAD v4.1: 1 of 1,613,432 alleles (0.000062%); highest among the groups gnomAD compares: Admixed American, 0.0017%; no homozygotes.

Submissions (2):

Labcorp Genetics (formerly Invitae), Labcorp
Classification: Uncertain significance for Bethlem myopathy 2; Ullrich congenital muscular dystrophy 2. Last evaluated: 2022-06-27. Review status: criteria provided, single submitter. Criteria: Invitae Variant Classification Sherloc (09022015). Collection method: clinical testing. Allele origin: germline.
Comment: Algorithms developed to predict the effect of missense changes on protein structure and function are either unavailable or do not agree on the potential impact of this missense change (SIFT: "Deleterious"; PolyPhen-2: "Possibly Damaging"; Align-GVGD: "Class C15"). This variant has not been reported in the literature in individuals affected with COL12A1-related conditions. This variant is present in population databases (no rsID available, gnomAD 0.003%). This sequence change replaces arginine, which is basic and polar, with tryptophan, which is neutral and slightly polar, at codon 2554 of the COL12A1 protein (p.Arg2554Trp). In summary, the available evidence is currently insufficient to determine the role of this variant in disease. Therefore, it has been classified as a Variant of Uncertain Significance.

Revvity Omics, Revvity
Classification: Uncertain significance. Last evaluated: 2019-01-29. Review status: criteria provided, single submitter. Criteria: ACMG Guidelines, 2015. Collection method: clinical testing. Allele origin: germline.